The following is an entry in ClinVar:

NM_024408.4(NOTCH2):c.5032C>T (p.Leu1678Phe)

Gene: NOTCH2 (notch receptor 2; minus strand). Cytogenetic location: 1p12.
Variant type: single nucleotide variant.
Coding change: c.5032C>T on transcript NM_024408.4 (MANE Select); coding-DNA position 5032, C replaced by T.
Protein change: p.Leu1678Phe; replaces leucine 1678 with phenylalanine.
Molecular consequence: missense variant.
Genome position (GRCh38, 1-based): chr1:119,922,417, G>A on the plus strand (C>T on the coding strand, the complement: NOTCH2 is on the minus strand). VCF-style: chr1-119922417-G-A. GRCh37 (hg19) VCF-style: chr1-120465040-G-A.
Other names: short protein forms L1678F.
Identifiers: ClinVar variation 2897878 (VCV002897878.3), dbSNP rs772488957, ClinGen allele CA1039730.

ClinVar aggregate classification (germline): Uncertain significance (1 of 4 stars; one submission).

Conditions:
Hajdu-Cheney syndrome (HJCYS). Also called: ACROOSTEOLYSIS WITH OSTEOPOROSIS AND CHANGES IN SKULL AND MANDIBLE; SERPENTINE FIBULA-POLYCYSTIC KIDNEY SYNDROME; Acroosteolysis dominant type. Identifiers: Orphanet 955, MedGen C0917715, MONDO:0007057, OMIM 102500.

Allele frequency attached by ClinVar (database versions not stated): ExAC 0.00002; gnomAD exomes below 0.00001.
gnomAD v4.1: 4 of 1,613,620 alleles (0.00025%); highest among the groups gnomAD compares: Admixed American, 0.005%; no homozygotes.

Submission:

Labcorp Genetics (formerly Invitae), Labcorp
Classification: Uncertain significance for Hajdu-Cheney syndrome. Last evaluated: 2025-07-06. Review status: criteria provided, single submitter. Criteria: Invitae Variant Classification Sherloc (09022015). Collection method: clinical testing. Allele origin: germline.
Comment: This sequence change replaces leucine, which is neutral and non-polar, with phenylalanine, which is neutral and non-polar, at codon 1678 of the NOTCH2 protein (p.Leu1678Phe). This variant is present in population databases (rs772488957, gnomAD 0.006%). This variant has not been reported in the literature in individuals affected with NOTCH2-related conditions. ClinVar contains an entry for this variant (Variation ID: 2897878). Invitae Evidence Modeling of protein sequence and biophysical properties (such as structural, functional, and spatial information, amino acid conservation, physicochemical variation, residue mobility, and thermodynamic stability) indicates that this missense variant is not expected to disrupt NOTCH2 protein function with a negative predictive value of 80%. In summary, the available evidence is currently insufficient to determine the role of this variant in disease. Therefore, it has been classified as a Variant of Uncertain Significance.